The following is an entry in ClinVar:

NM_001277313.2(FMN1):c.948G>A (p.Pro316=)

Gene: FMN1 (formin 1; minus strand). Cytogenetic location: 15q13.3.
Variant type: single nucleotide variant.
Coding change: c.948G>A on transcript NM_001277313.2 (MANE Select); coding-DNA position 948, G replaced by A.
Protein change: p.Pro316=; no amino-acid change (proline 316 retained).
Molecular consequence: synonymous variant.
Genome position (GRCh38, 1-based): chr15:33,153,967, C>T on the plus strand (G>A on the coding strand, the complement: FMN1 is on the minus strand). VCF-style: chr15-33153967-C-T. GRCh37 (hg19) VCF-style: chr15-33446168-C-T.
Other names: c.948G>A, p.Pro316= (NM_001277314.2).
Identifiers: ClinVar variation 3046480 (VCV003046480.2), dbSNP rs990776575, ClinGen allele CA268812068.

ClinVar aggregate classification (germline): Likely benign (0 of 4 stars; one submission).

Conditions:
FMN1-related disorder. Also called: FMN1-related condition.

Submission:

PreventionGenetics, part of Exact Sciences
Classification: Likely benign for FMN1-related condition. Last evaluated: 2019-02-22. Review status: no assertion criteria provided. Collection method: clinical testing. Allele origin: germline.
Comment: This variant is classified as likely benign based on ACMG/AMP sequence variant interpretation guidelines (Richards et al. 2015 PMID: 25741868, with internal and published modifications).